The following is an entry in ClinVar:

ClinVar aggregate classification (germline): Uncertain significance (1 of 4 stars; one submission).

Submission:

Labcorp Genetics (formerly Invitae), Labcorp
Classification: Uncertain significance. Last evaluated: 2024-01-09. Review status: criteria provided, single submitter. Criteria: Invitae Variant Classification Sherloc (09022015). Collection method: clinical testing. Allele origin: germline.
Comment: This sequence change replaces glutamine, which is neutral and polar, with leucine, which is neutral and non-polar, at codon 23 of the DPF2 protein (p.Gln23Leu). This variant is not present in population databases (gnomAD no frequency). This variant has not been reported in the literature in individuals affected with DPF2-related conditions. An algorithm developed to predict the effect of missense changes on protein structure and function (PolyPhen-2) suggests that this variant is likely to be disruptive. In summary, the available evidence is currently insufficient to determine the role of this variant in disease. Therefore, it has been classified as a Variant of Uncertain Significance.

NM_006268.5(DPF2):c.68A>T (p.Gln23Leu)

Gene: DPF2 (double PHD fingers 2; plus strand). Cytogenetic location: 11q13.1.
Variant type: single nucleotide variant.
Coding change: c.68A>T on transcript NM_006268.5 (MANE Select); coding-DNA position 68, A replaced by T.
Protein change: p.Gln23Leu; replaces glutamine 23 with leucine.
Molecular consequence: missense variant.
Genome position (GRCh38, 1-based): chr11:65,340,420, A>T. VCF-style: chr11-65340420-A-T. GRCh37 (hg19) VCF-style: chr11-65107891-A-T.
Other names: c.68A>T, p.Gln23Leu (NM_001330308.2); short protein forms Q23L.
Identifiers: ClinVar variation 2705017 (VCV002705017.3), dbSNP rs2495388142, ClinGen allele CA381249500.